The following is an entry in ClinVar:

ClinVar aggregate classification (germline): Benign/Likely benign. Review status: criteria provided, multiple submitters, no conflicts (2 of 4 stars). 5 submissions from 5 submitters: Benign (1); Likely benign (4). Last evaluated 2026-01-19.

Conditions:
Microphthalmia with limb anomalies (MLA). Also called: MICROPHTHALMIA AND LIMB ANOMALIES; ANOPHTHALMIA-SYNDACTYLY; OPHTHALMOACROMELIC SYNDROME. Identifiers: Orphanet 1106, MedGen C0599973, MONDO:0008800, OMIM 206920.

Allele frequency attached by ClinVar (database versions not stated): gnomAD exomes 0.00296 and 0.00378; TOPMed 0.00297; ESP Exome Variant Server 0.00308; 1000 Genomes Project 30x 0.00219; 1000 Genomes Project 0.00240; ExAC 0.00269; gnomAD 0.00290.
gnomAD v4.1: 5,934 of 1,613,518 alleles (0.37%); highest among the groups gnomAD compares: Middle Eastern, 0.58%; 16 homozygotes.

Submissions (5):

Labcorp Genetics (formerly Invitae), Labcorp
Classification: Benign. Last evaluated: 2026-01-19. Review status: criteria provided, single submitter. Criteria: Invitae Variant Classification Sherloc (09022015). Collection method: clinical testing. Allele origin: germline.

CeGaT Center for Human Genetics Tuebingen
Classification: Likely benign. Last evaluated: 2024-11-01. Review status: criteria provided, single submitter. Criteria: CeGaT Center For Human Genetics Tuebingen Variant Classification Criteria Version 2. Collection method: clinical testing. Allele origin: germline. Affected: yes. Observed: 6 variant alleles.
Comment: SMOC1: BP4, BP7, BS2

Fulgent Genetics
Classification: Likely benign for Microphthalmia with limb anomalies. Last evaluated: 2021-09-16. Review status: criteria provided, single submitter. Criteria: ACMG Guidelines, 2015. Collection method: clinical testing. Allele origin: unknown.

Eurofins Ntd Llc (ga)
Classification: Likely benign. Last evaluated: 2016-04-05. Review status: criteria provided, single submitter. Criteria: EGL Classification Definitions 2015. Collection method: clinical testing. Allele origin: germline. Observed: 1 variant allele, 1 heterozygote.

Breakthrough Genomics
Classification: Likely benign. Review status: criteria provided, single submitter. Criteria: ACMG Guidelines, 2015. Collection method: not provided. Allele origin: germline. Inheritance: Autosomal recessive inheritance. Affected: yes.

NM_001034852.3(SMOC1):c.567G>A (p.Pro189=)

Gene: SMOC1 (SPARC related modular calcium binding 1; plus strand). Cytogenetic location: 14q24.2.
Variant type: single nucleotide variant.
Coding change: c.567G>A on transcript NM_001034852.3 (MANE Select); coding-DNA position 567, G replaced by A.
Protein change: p.Pro189=; no amino-acid change (proline 189 retained).
Molecular consequence: synonymous variant.
Genome position (GRCh38, 1-based): chr14:69,992,457, G>A. VCF-style: chr14-69992457-G-A. GRCh37 (hg19) VCF-style: chr14-70459174-G-A.
Other names: c.567G>A, p.Pro189= (NM_022137.6).
Identifiers: ClinVar variation 287146 (VCV000287146.39), dbSNP rs142590267, ClinGen allele CA7246518.
Genomic context (GRCh38, chr14:69,992,457, plus strand): 5'-CTTTTTAACCCTCAATTCAGATGACGGGTCTAAGCCGACACCCACGATGGAGACCCAGCC[G>A]GTGTTCGATGGAGATGGTAAGATCTTGCATTACTTCTGATGTTCATTCTCCCACTCATTT-3'
Protein context (NP_001030024.1, residues 179-199): SKPTPTMETQ[Pro189=]VFDGDEITAP